The following is an entry in ClinVar:

NM_005751.5(AKAP9):c.1429T>C (p.Ser477Pro)

Gene: AKAP9 (A-kinase anchoring protein 9; plus strand). Cytogenetic location: 7q21.2.
Variant type: single nucleotide variant.
Coding change: c.1429T>C on transcript NM_005751.5 (MANE Select); coding-DNA position 1429, T replaced by C.
Protein change: p.Ser477Pro; replaces serine 477 with proline.
Molecular consequence: missense variant.
Genome position (GRCh38, 1-based): chr7:92,001,346, T>C. VCF-style: chr7-92001346-T-C. GRCh37 (hg19) VCF-style: chr7-91630660-T-C.
Other names: c.1429T>C, p.Ser477Pro (NM_147185.3); short protein forms S477P.
Identifiers: ClinVar variation 4804259 (VCV004804259.1).

ClinVar aggregate classification (germline): Uncertain significance (1 of 4 stars; one submission).

Conditions:
Long QT syndrome (LQTS). Identifiers: MedGen C0023976, MeSH D008133, MONDO:0002442. Disease mechanism: loss of function. Inheritance: Various modes of inheritance.

Submission:

Labcorp Genetics (formerly Invitae), Labcorp
Classification: Uncertain significance for Long QT syndrome. Last evaluated: 2025-12-01. Review status: criteria provided, single submitter. Criteria: Invitae Variant Classification Sherloc (09022015). Collection method: clinical testing. Allele origin: germline.
Comment: This sequence change replaces serine, which is neutral and polar, with proline, which is neutral and non-polar, at codon 477 of the AKAP9 protein (p.Ser477Pro). This variant is not present in population databases (gnomAD no frequency). This variant has not been reported in the literature in individuals affected with AKAP9-related conditions. An algorithm developed to predict the effect of missense changes on protein structure and function (PolyPhen-2) suggests that this variant is likely to be disruptive. In summary, the available evidence is currently insufficient to determine the role of this variant in disease. Therefore, it has been classified as a Variant of Uncertain Significance.